The following is an entry in ClinVar:

NM_000836.4(GRIN2D):c.1430C>T (p.Pro477Leu)

Gene: GRIN2D (glutamate ionotropic receptor NMDA type subunit 2D; plus strand). Cytogenetic location: 19q13.33.
Variant type: single nucleotide variant.
Coding change: c.1430C>T on transcript NM_000836.4 (MANE Select); coding-DNA position 1430, C replaced by T.
Protein change: p.Pro477Leu; replaces proline 477 with leucine.
Molecular consequence: missense variant.
Genome position (GRCh38, 1-based): chr19:48,414,881, C>T. VCF-style: chr19-48414881-C-T. GRCh37 (hg19) VCF-style: chr19-48918138-C-T.
Other names: short protein forms P477L.
Identifiers: ClinVar variation 2780978 (VCV002780978.3), dbSNP rs1443280534, ClinGen allele CA406695579.

ClinVar aggregate classification (germline): Uncertain significance (1 of 4 stars; one submission).

Allele frequency attached by ClinVar (database versions not stated): gnomAD 0.00001.
gnomAD v4.1: 2 of 1,614,042 alleles (0.00012%); highest among the groups gnomAD compares: African/African-American, 0.0013%; no homozygotes.

Submission:

Labcorp Genetics (formerly Invitae), Labcorp
Classification: Uncertain significance. Last evaluated: 2023-06-27. Review status: criteria provided, single submitter. Criteria: Invitae Variant Classification Sherloc (09022015). Collection method: clinical testing. Allele origin: germline.
Comment: In summary, the available evidence is currently insufficient to determine the role of this variant in disease. Therefore, it has been classified as a Variant of Uncertain Significance. Advanced modeling of protein sequence and biophysical properties (such as structural, functional, and spatial information, amino acid conservation, physicochemical variation, residue mobility, and thermodynamic stability) performed at Invitae indicates that this missense variant is not expected to disrupt GRIN2D protein function. This variant has not been reported in the literature in individuals affected with GRIN2D-related conditions. This variant is present in population databases (no rsID available, gnomAD 0.01%). This sequence change replaces proline, which is neutral and non-polar, with leucine, which is neutral and non-polar, at codon 477 of the GRIN2D protein (p.Pro477Leu).